The following is an entry in ClinVar:

ClinVar aggregate classification (germline): Uncertain significance (1 of 4 stars; one submission).

Allele frequency attached by ClinVar (database versions not stated): gnomAD exomes 0.00002 and 0.00010; gnomAD 0.00004 and 0.00006; ExAC 0.00005; TOPMed 0.00006; 1000 Genomes Project 30x 0.00031; 1000 Genomes Project 0.00040.
gnomAD v4.1: 34 of 1,614,160 alleles (0.0021%); highest among the groups gnomAD compares: East Asian, 0.067%; no homozygotes.

Submission:

Labcorp Genetics (formerly Invitae), Labcorp
Classification: Uncertain significance. Last evaluated: 2026-01-08. Review status: criteria provided, single submitter. Criteria: Invitae Variant Classification Sherloc (09022015). Collection method: clinical testing. Allele origin: germline.
Comment: This sequence change replaces cysteine, which is neutral and slightly polar, with arginine, which is basic and polar, at codon 412 of the FBN3 protein (p.Cys412Arg). This variant is present in population databases (rs202117202, gnomAD 0.1%), and has an allele count higher than expected for a pathogenic variant. This missense change has been observed in individual(s) with clinical features of FBN3-related conditions (PMID: 35207686). This variant is also known as 8136499A>G. ClinVar contains an entry for this variant (Variation ID: 1499119). Invitae Evidence Modeling of protein sequence and biophysical properties (such as structural, functional, and spatial information, amino acid conservation, physicochemical variation, residue mobility, and thermodynamic stability) indicates that this missense variant is expected to disrupt FBN3 protein function with a positive predictive value of 80%. In summary, the available evidence is currently insufficient to determine the role of this variant in disease. Therefore, it has been classified as a Variant of Uncertain Significance.

Literature cited by the submitters: PubMed 35207686.

NM_032447.5(FBN3):c.1234T>C (p.Cys412Arg)

Gene: FBN3 (fibrillin 3; minus strand). Cytogenetic location: 19p13.2.
Variant type: single nucleotide variant.
Coding change: c.1234T>C on transcript NM_032447.5 (MANE Select); coding-DNA position 1234, T replaced by C.
Protein change: p.Cys412Arg; replaces cysteine 412 with arginine.
Molecular consequence: missense variant.
Genome position (GRCh38, 1-based): chr19:8,136,499, A>G on the plus strand (T>C on the coding strand, the complement: FBN3 is on the minus strand). VCF-style: chr19-8136499-A-G. GRCh37 (hg19) VCF-style: chr19-8201383-A-G.
Other names: c.1234T>C, p.Cys412Arg (NM_001321431.2); short protein forms C412R.
Identifiers: ClinVar variation 1499119 (VCV001499119.6), dbSNP rs202117202, ClinGen allele CA9153417.